The following is an entry in ClinVar:

ClinVar aggregate classification (germline): Likely benign. Review status: criteria provided, multiple submitters, no conflicts (2 of 4 stars). 2 submissions from 2 submitters: Likely benign (2). Last evaluated 2026-05-26.

Conditions:
TTN-related disorder. Also called: TTN-related condition; TTN-related disease; TTN-related disorders.
Autosomal recessive limb-girdle muscular dystrophy type 2J (LGMDR10). Also called: Limb-girdle muscular dystrophy, type 2J; MUSCULAR DYSTROPHY, LIMB-GIRDLE, AUTOSOMAL RECESSIVE 10. Identifiers: Orphanet 140922, MedGen C1837342, MONDO:0012127, OMIM 608807.
Dilated cardiomyopathy 1G (CMD1G). Identifiers: Orphanet 154, MedGen C1858763, MONDO:0011400, OMIM 604145.

Allele frequency attached by ClinVar (database versions not stated): gnomAD 0.00001 and 0.00003; TOPMed 0.00002; ESP Exome Variant Server 0.00008; 1000 Genomes Project 30x 0.00016; 1000 Genomes Project 0.00020; ExAC 0.00024.
gnomAD v4.1: 124 of 1,613,742 alleles (0.0077%); highest among the groups gnomAD compares: South Asian, 0.11%; 2 homozygotes.

Submissions (2):

PreventionGenetics, part of Exact Sciences
Classification: Likely benign for TTN-related condition. Last evaluated: 2026-05-26. Review status: criteria provided, single submitter. Criteria: ACMG Guidelines, 2015. Collection method: clinical testing. Allele origin: germline.
Comment: This variant is classified as likely benign based on ACMG/AMP sequence variant interpretation guidelines (Richards et al. 2015 PMID: 25741868, with internal and published modifications).

Labcorp Genetics (formerly Invitae), Labcorp
Classification: Likely benign for Dilated cardiomyopathy 1G; Autosomal recessive limb-girdle muscular dystrophy type 2J. Last evaluated: 2026-01-09. Review status: criteria provided, single submitter. Criteria: Invitae Variant Classification Sherloc (09022015). Collection method: clinical testing. Allele origin: germline.

NM_001267550.2(TTN):c.10457C>T (p.Ala3486Val)

Gene: TTN (titin; minus strand). Cytogenetic location: 2q31.2.
Variant type: single nucleotide variant.
Coding change: c.10457C>T on transcript NM_001267550.2 (MANE Select); coding-DNA position 10457, C replaced by T.
Protein change: p.Ala3486Val; replaces alanine 3486 with valine.
Molecular consequence: missense variant. On other transcripts: intron variant (5).
Genome position (GRCh38, 1-based): chr2:178,757,763, G>A on the plus strand (C>T on the coding strand, the complement: TTN is on the minus strand). VCF-style: chr2-178757763-G-A. GRCh37 (hg19) VCF-style: chr2-179622490-G-A.
Other names: c.10319C>T, p.Ala3440Val (NM_133432.3); c.10165+1221C>T (NM_003319.4); c.10166-966C>T (NM_133437.4); c.10303+1221C>T (NM_133378.4, NM_001256850.1, NM_133379.5); short protein forms A3440V, A3486V.
Identifiers: ClinVar variation 699193 (VCV000699193.12), dbSNP rs374093805, ClinGen allele CA2004103.